The following is an entry in ClinVar:

ClinVar aggregate classification (germline): Uncertain significance (1 of 4 stars; one submission).

Submission:

Labcorp Genetics (formerly Invitae), Labcorp
Classification: Uncertain significance. Last evaluated: 2025-01-29. Review status: criteria provided, single submitter. Criteria: Invitae Variant Classification Sherloc (09022015). Collection method: clinical testing. Allele origin: germline.
Comment: This sequence change replaces glycine, which is neutral and non-polar, with aspartic acid, which is acidic and polar, at codon 654 of the HMCN1 protein (p.Gly654Asp). This variant is not present in population databases (gnomAD no frequency). This variant has not been reported in the literature in individuals affected with HMCN1-related conditions. An algorithm developed to predict the effect of missense changes on protein structure and function (PolyPhen-2) suggests that this variant is likely to be disruptive. In summary, the available evidence is currently insufficient to determine the role of this variant in disease. Therefore, it has been classified as a Variant of Uncertain Significance.

NM_031935.3(HMCN1):c.1961G>A (p.Gly654Asp)

Gene: HMCN1 (hemicentin 1; plus strand). Cytogenetic location: 1q31.1.
Variant type: single nucleotide variant.
Coding change: c.1961G>A on transcript NM_031935.3 (MANE Select); coding-DNA position 1961, G replaced by A.
Protein change: p.Gly654Asp; replaces glycine 654 with aspartic acid.
Molecular consequence: missense variant.
Genome position (GRCh38, 1-based): chr1:185,962,650, G>A. VCF-style: chr1-185962650-G-A. GRCh37 (hg19) VCF-style: chr1-185931782-G-A.
Other names: short protein forms G654D.
Identifiers: ClinVar variation 3608060 (VCV003608060.2).